The following is an entry in ClinVar:

NM_058216.3(RAD51C):c.62C>T (p.Pro21Leu)

Gene: RAD51C (RAD51 paralog C; plus strand). Cytogenetic location: 17q22.
Variant type: single nucleotide variant.
Coding change: c.62C>T on transcript NM_058216.3 (MANE Select); coding-DNA position 62, C replaced by T.
Protein change: p.Pro21Leu; replaces proline 21 with leucine.
Molecular consequence: missense variant. On other transcripts: non-coding transcript variant (1).
Genome position (GRCh38, 1-based): chr17:58,692,705, C>T. VCF-style: chr17-58692705-C-T. GRCh37 (hg19) VCF-style: chr17-56770066-C-T.
Other names: c.62C>T, p.Pro21Leu (NM_002876.4); short protein forms P21L.
Identifiers: ClinVar variation 142510 (VCV000142510.21), dbSNP rs587782511, ClinGen allele CA168555.

ClinVar aggregate classification (germline): Uncertain significance. Review status: criteria provided, multiple submitters, no conflicts (2 of 4 stars). 4 submissions from 4 submitters: Uncertain significance (4). Last evaluated 2025-07-30.

Conditions:
Hereditary cancer-predisposing syndrome. Also called: Neoplastic Syndromes, Hereditary; Hereditary Cancer Syndrome; Hereditary neoplastic syndrome; Tumor predisposition. Identifiers: Orphanet 140162, MedGen C0027672, MeSH D009386, MONDO:0015356.
Fanconi anemia complementation group O. Also called: RAD51C-Related Fanconi Anemia. Identifiers: Orphanet 84, MedGen C3150653, MONDO:0013248, OMIM 613390.

Allele frequency attached by ClinVar (database versions not stated): gnomAD exomes below 0.00001; gnomAD 0.00001.
gnomAD v4.1: 4 of 1,614,128 alleles (0.00025%); highest among the groups gnomAD compares: Admixed American, 0.0017%; no homozygotes.

Submissions (4):

Labcorp Genetics (formerly Invitae), Labcorp
Classification: Uncertain significance for Fanconi anemia complementation group O. Last evaluated: 2025-07-30. Review status: criteria provided, single submitter. Criteria: Invitae Variant Classification Sherloc (09022015). Collection method: clinical testing. Allele origin: germline.
Comment: This sequence change replaces proline, which is neutral and non-polar, with leucine, which is neutral and non-polar, at codon 21 of the RAD51C protein (p.Pro21Leu). This variant is not present in population databases (gnomAD no frequency). This variant has not been reported in the literature in individuals affected with RAD51C-related conditions. ClinVar contains an entry for this variant (Variation ID: 142510). Invitae Evidence Modeling of protein sequence and biophysical properties (such as structural, functional, and spatial information, amino acid conservation, physicochemical variation, residue mobility, and thermodynamic stability) has been performed for this missense variant. However, the output from this modeling did not meet the statistical confidence thresholds required to predict the impact of this variant on RAD51C protein function. In summary, the available evidence is currently insufficient to determine the role of this variant in disease. Therefore, it has been classified as a Variant of Uncertain Significance.

Ambry Genetics
Classification: Uncertain significance for Hereditary cancer-predisposing syndrome. Last evaluated: 2025-07-29. Review status: criteria provided, single submitter. Criteria: Ambry Variant Classification Scheme 2023. Collection method: clinical testing. Allele origin: germline.
Comment: The p.P21L variant (also known as c.62C>T), located in coding exon 1 of the RAD51C gene, results from a C to T substitution at nucleotide position 62. The proline at codon 21 is replaced by leucine, an amino acid with similar properties. This alteration was detected in 1/5589 German BRCA1/2-negative probands with breast cancer (Hauke J et al. Cancer Med, 2018 Apr;7:1349-1358). This amino acid position is well conserved in available vertebrate species. In addition, this alteration is predicted to be tolerated by in silico analysis. Since supporting evidence is limited at this time, the clinical significance of this alteration remains unclear.

Color Diagnostics, LLC DBA Color Health
Classification: Uncertain significance for Hereditary cancer-predisposing syndrome. Last evaluated: 2022-09-26. Review status: criteria provided, single submitter. Criteria: ACMG Guidelines, 2015. Collection method: clinical testing. Allele origin: germline.
Comment: This missense variant replaces proline with leucine at codon 21 of the RAD51C protein. Computational prediction suggests that this variant may not impact protein structure and function (internally defined REVEL score threshold <= 0.5, PMID: 27666373). To our knowledge, functional studies have not been reported for this variant. This variant has not been reported in individuals affected with hereditary cancer in the literature. This variant has not been identified in the general population by the Genome Aggregation Database (gnomAD). The available evidence is insufficient to determine the role of this variant in disease conclusively. Therefore, this variant is classified as a Variant of Uncertain Significance.

GeneDx
Classification: Uncertain significance. Last evaluated: 2020-06-02. Review status: criteria provided, single submitter. Criteria: GeneDx Variant Classification Process June 2021. Collection method: clinical testing. Allele origin: germline. Affected: yes.
Comment: Not observed in large population cohorts (Lek 2016); In silico analysis supports that this missense variant has a deleterious effect on protein structure/function; Has not been previously published as pathogenic or benign to our knowledge

Literature cited by the submitters: PubMed 29522266 (cited by Ambry Genetics).